The following is an entry in ClinVar:

NM_000393.5(COL5A2):c.2229+51T>C

Gene: COL5A2 (collagen type V alpha 2 chain; minus strand). Cytogenetic location: 2q32.2.
Variant type: single nucleotide variant.
Coding change: c.2229+51T>C on transcript NM_000393.5 (MANE Select); 51 bases into the intron after coding-DNA position 2229, T replaced by C.
Molecular consequence: intron variant.
Genome position (GRCh38, 1-based): chr2:189,058,378, A>G on the plus strand (T>C on the coding strand, the complement: COL5A2 is on the minus strand). VCF-style: chr2-189058378-A-G. GRCh37 (hg19) VCF-style: chr2-189923104-A-G.
Identifiers: ClinVar variation 670986 (VCV000670986.2), dbSNP rs7556733, ClinGen allele CA2022404.
Genomic context (GRCh38, chr2:189,058,378, plus strand): 5'-ATAATCAAATTATCTTTCAAAAACAAGACAAATGCATTCTCACACCATCATGCGTTTATT[A>G]AGCAGTAATTTTAAAGCATTTTAAAACACTGAGATCACTATGACACTTACTTTTGGGCCA-3'

ClinVar aggregate classification (germline): Benign. Review status: criteria provided, multiple submitters, no conflicts (2 of 4 stars). 2 submissions from 2 submitters: Benign (2). Last evaluated 2018-06-14.

Allele frequency attached by ClinVar (database versions not stated): 1000 Genomes Project 30x 0.93926; 1000 Genomes Project 0.94309; TOPMed 0.94713; gnomAD exomes 0.95678 and 0.97402; gnomAD 0.95743 and 0.95786; ExAC 0.95952; ESP Exome Variant Server 0.96286.
gnomAD v4.1: 1,308,925 of 1,346,514 alleles (97%); highest among the groups gnomAD compares: Non-Finnish European, 98%; 636,876 homozygotes.

Submissions (2):

GeneDx
Classification: Benign. Last evaluated: 2018-06-14. Review status: criteria provided, single submitter. Criteria: GeneDx Variant Classification (06012015). Collection method: clinical testing. Allele origin: germline. Affected: yes.
Comment: This variant is considered likely benign or benign based on one or more of the following criteria: it is a conservative change, it occurs at a poorly conserved position in the protein, it is predicted to be benign by multiple in silico algorithms, and/or has population frequency not consistent with disease.

Breakthrough Genomics
Classification: Benign. Review status: criteria provided, single submitter. Criteria: ACMG Guidelines, 2015. Collection method: not provided. Allele origin: germline. Inheritance: Autosomal dominant inheritance. Affected: yes.